The following is an entry in ClinVar:

NM_052985.3(IFT122):c.-210C>A

Gene: IFT122 (intraflagellar transport 122; plus strand). Cytogenetic location: 3q21.3.
Variant type: single nucleotide variant.
Coding change: c.-210C>A on transcript NM_052985.3; 210 bases upstream of the start codon, C replaced by A.
Genome position (GRCh38, 1-based): chr3:129,440,121, C>A. VCF-style: chr3-129440121-C-A. GRCh37 (hg19) VCF-style: chr3-129158964-C-A.
Identifiers: ClinVar variation 343225 (VCV000343225.10), dbSNP rs148987764, ClinGen allele CA10614833.

ClinVar aggregate classification (germline): Benign/Likely benign. Review status: criteria provided, multiple submitters, no conflicts (2 of 4 stars). 3 submissions from 3 submitters: Benign (1); Likely benign (2). Last evaluated 2020-07-27.

Conditions:
Cranioectodermal dysplasia 1 (CED1). Also called: LEVIN SYNDROME I. Identifiers: Orphanet 1515, MedGen C0432235, MONDO:0021093, OMIM 218330.

Allele frequency attached by ClinVar (database versions not stated): 1000 Genomes Project 0.00539; TOPMed 0.00802; gnomAD exomes 0.00073; 1000 Genomes Project 30x 0.00609; gnomAD 0.00637 and 0.00690.

Submissions (3):

GeneDx
Classification: Likely benign. Last evaluated: 2020-07-27. Review status: criteria provided, single submitter. Criteria: GeneDx Variant Classification Process June 2021. Collection method: clinical testing. Allele origin: germline. Affected: yes.

Illumina Laboratory Services, Illumina
Classification: Benign for Cranioectodermal dysplasia 1. Last evaluated: 2018-01-13. Review status: criteria provided, single submitter. Criteria: ICSL Variant Classification Criteria 13 December 2019. Collection method: clinical testing. Allele origin: germline.
Comment: This variant was observed in the ICSL laboratory as part of a predisposition screen in an ostensibly healthy population. It had not been previously curated by ICSL or reported in the Human Gene Mutation Database (HGMD: prior to June 1st, 2018), and was therefore a candidate for classification through an automated scoring system. Utilizing variant allele frequency, disease prevalence and penetrance estimates, and inheritance mode, an automated score was calculated to assess if this variant is too frequent to cause the disease. Based on the score and internal cut-off values, a variant classified as benign is not then subjected to further curation. The score for this variant resulted in a classification of benign for this disease.

Breakthrough Genomics
Classification: Likely benign. Review status: criteria provided, single submitter. Criteria: ACMG Guidelines, 2015. Collection method: not provided. Allele origin: germline. Inheritance: Autosomal recessive inheritance. Affected: yes.